The following is an entry in ClinVar:

NM_002471.4(MYH6):c.928G>A (p.Asp310Asn)

Gene: MYH6 (myosin heavy chain 6; minus strand). Cytogenetic location: 14q11.2.
Variant type: single nucleotide variant.
Coding change: c.928G>A on transcript NM_002471.4 (MANE Select); coding-DNA position 928, G replaced by A.
Protein change: p.Asp310Asn; replaces aspartic acid 310 with asparagine.
Molecular consequence: missense variant.
Genome position (GRCh38, 1-based): chr14:23,402,771, C>T on the plus strand (G>A on the coding strand, the complement: MYH6 is on the minus strand). VCF-style: chr14-23402771-C-T. GRCh37 (hg19) VCF-style: chr14-23871980-C-T.
Other names: short protein forms D310N.
Identifiers: ClinVar variation 44547 (VCV000044547.14), dbSNP rs374692396, ClinGen allele CA134502.

ClinVar aggregate classification (germline): Uncertain significance. Review status: criteria provided, multiple submitters, no conflicts (2 of 4 stars). 7 submissions from 7 submitters: Uncertain significance (7). Last evaluated 2025-07-24.

Conditions:
Cardiovascular phenotype. Identifiers: MedGen CN230736.
Dilated cardiomyopathy 1EE (CMD1EE). Identifiers: Orphanet 154, MedGen C2750466, MONDO:0013198, OMIM 613252.
Hypertrophic cardiomyopathy 14. Identifiers: MedGen C2750467, MONDO:0013197, OMIM 613251.
Atrial septal defect 3 (ASD3). Identifiers: Orphanet 1478, MedGen C3279790, MONDO:0013567, OMIM 614089.
Hypertrophic cardiomyopathy 1 (CMH1). Also called: Familial hypertrophic cardiomyopathy 1; MYH7-Related Familial Hypertrophic Cardiomyopathy. Identifiers: MedGen C3495498, MONDO:0008647, OMIM 192600.
Sick sinus syndrome 3, susceptibility to (SSS3). Identifiers: Orphanet 166282, MedGen C3279791, MONDO:0013568, OMIM 614090.

Allele frequency attached by ClinVar (database versions not stated): gnomAD exomes below 0.00001 and 0.00001; ESP Exome Variant Server 0.00015; ExAC 0.00001; TOPMed 0.00006; gnomAD 0.00004 and 0.00005.

Submissions (7):

Women's Health and Genetics/Laboratory Corporation of America, LabCorp
Classification: Uncertain significance. Last evaluated: 2025-07-24. Review status: criteria provided, single submitter. Criteria: LabCorp Variant Classification Summary - May 2015. Collection method: clinical testing. Allele origin: germline.
Comment: Variant summary: MYH6 c.928G>A (p.Asp310Asn) results in a conservative amino acid change in the encoded protein sequence. Algorithms developed to predict the effect of missense changes on protein structure and function are either unavailable or do not agree on the potential impact of this missense change. The variant allele was found at a frequency of 8e-06 in 250908 control chromosomes (gnomAD). The available data on variant occurrences in the general population are insufficient to allow any conclusion about variant significance. c.928G>A has been observed in an individual affected with Cardiomyopathy without evidence of causality (Burstein_2021). This report does not provide unequivocal conclusions about association of the variant with Cardiomyopathy. To our knowledge, no experimental evidence demonstrating an impact on protein function has been reported. The following publication has been ascertained in the context of this evaluation (PMID: 32746448). ClinVar contains an entry for this variant (Variation ID: 44547). Based on the evidence outlined above, the variant was classified as uncertain significance.

Labcorp Genetics (formerly Invitae), Labcorp
Classification: Uncertain significance for Hypertrophic cardiomyopathy 14. Last evaluated: 2024-11-21. Review status: criteria provided, single submitter. Criteria: Invitae Variant Classification Sherloc (09022015). Collection method: clinical testing. Allele origin: germline.
Comment: This sequence change replaces aspartic acid, which is acidic and polar, with asparagine, which is neutral and polar, at codon 310 of the MYH6 protein (p.Asp310Asn). This variant is present in population databases (rs374692396, gnomAD 0.01%). This missense change has been observed in individual(s) with dilated cardiomyopathy (PMID: 32746448). ClinVar contains an entry for this variant (Variation ID: 44547). Invitae Evidence Modeling of protein sequence and biophysical properties (such as structural, functional, and spatial information, amino acid conservation, physicochemical variation, residue mobility, and thermodynamic stability) indicates that this missense variant is not expected to disrupt MYH6 protein function with a negative predictive value of 80%. In summary, the available evidence is currently insufficient to determine the role of this variant in disease. Therefore, it has been classified as a Variant of Uncertain Significance.

Ambry Genetics
Classification: Uncertain significance for Cardiovascular phenotype. Last evaluated: 2023-01-17. Review status: criteria provided, single submitter. Criteria: Ambry General Variant Classification Scheme_2022. Collection method: clinical testing. Allele origin: germline.
Comment: The p.D310N variant (also known as c.928G>A), located in coding exon 9 of the MYH6 gene, results from a G to A substitution at nucleotide position 928. The aspartic acid at codon 310 is replaced by asparagine, an amino acid with highly similar properties. This alteration has been reported in a pediatric cardiomyopathy cohort; however, clinical details were limited and additional alterations in other cardiac-related genes were identified (Burstein DS et al. Pediatr Res, 2021 May;89:1470-1476). This amino acid position is highly conserved in available vertebrate species. In addition, this alteration is predicted to be tolerated by in silico analysis. Since supporting evidence is limited at this time, the clinical significance of this alteration remains unclear.

AiLife Diagnostics
Classification: Uncertain significance. Last evaluated: 2022-02-17. Review status: criteria provided, single submitter. Criteria: ACMG Guidelines, 2015. Collection method: clinical testing. Allele origin: germline. Affected: yes. Observed: 2 variant alleles.

Fulgent Genetics
Classification: Uncertain significance for Hypertrophic cardiomyopathy 1; Hypertrophic cardiomyopathy 14; Dilated cardiomyopathy 1EE; Atrial septal defect 3; Sick sinus syndrome 3, susceptibility to. Last evaluated: 2021-08-09. Review status: criteria provided, single submitter. Criteria: ACMG Guidelines, 2015. Collection method: clinical testing. Allele origin: unknown.

Laboratory for Molecular Medicine, Mass General Brigham Personalized Medicine
Classification: Uncertain significance. Last evaluated: 2012-08-20. Review status: criteria provided, single submitter. Criteria: LMM Criteria. Collection method: clinical testing. Allele origin: germline. Observed: 1 variant allele.
Comment: The Asp310Asn variant in MYH6 has not been reported in the literature but has be en identified in 1/4406 African American chromosomes and 1/8600 European America n chromosomes from a broad population by the NHLBI Exome Sequencing Project. These could represent presymptomatic individual s. Computational analyses (biochemical amino acid properties, conservation, Alig nGVGD, PolyPhen2, and SIFT) do not provide strong support for or against an impa ct to the protein. Additional information is needed to fully assess the clinical significance of the Asp310Asn variant.

Juno Genomics, Hangzhou Juno Genomics, Inc
Classification: Uncertain significance for Atrial septal defect 3; Sick sinus syndrome 3, susceptibility to; Dilated cardiomyopathy 1EE; Hypertrophic cardiomyopathy 14. Review status: criteria provided, single submitter. Criteria: ACMG Guidelines, 2015. Collection method: clinical testing. Allele origin: germline.
Comment: Absent from controls (or at extremely low frequency if recessive) in Genome Aggregation Database.;Missense variant in a gene that has a low rate of benign missense variation.;Multiple lines of computational evidence support a deleterious effect on the gene or gene product.

Literature cited by the submitters: PubMed 32746448 (cited by 3 submitters).